The following is an entry in ClinVar:

ClinVar aggregate classification (germline): Likely benign (1 of 4 stars; one submission).

Allele frequency attached by ClinVar (database versions not stated): ESP Exome Variant Server 0.00046; gnomAD exomes 0.00060; 1000 Genomes Project 30x 0.00062; TOPMed 0.00064; 1000 Genomes Project 0.00080; gnomAD 0.00091; ExAC 0.00116.

Submission:

CeGaT Center for Human Genetics Tuebingen
Classification: Likely benign. Last evaluated: 2023-04-01. Review status: criteria provided, single submitter. Criteria: CeGaT Center For Human Genetics Tuebingen Variant Classification Criteria Version 2. Collection method: clinical testing. Allele origin: germline. Affected: yes. Observed: 2 variant alleles.
Comment: CBY2: BP4, BS2

NM_152719.3(CBY2):c.157-8T>C

Gene: CBY2 (chibby family member 2; plus strand). Cytogenetic location: 13q14.13.
Variant type: single nucleotide variant.
Coding change: c.157-8T>C on transcript NM_152719.3 (MANE Select); 8 bases into the intron before coding-DNA position 157, T replaced by C.
Molecular consequence: intron variant.
Genome position (GRCh38, 1-based): chr13:45,713,174, T>C. VCF-style: chr13-45713174-T-C. GRCh37 (hg19) VCF-style: chr13-46287309-T-C.
Other names: c.76-8T>C (NM_001286341.2); c.49-8T>C (NM_001286342.2).
Identifiers: ClinVar variation 2643805 (VCV002643805.24), dbSNP rs371262520, ClinGen allele CA6973179.
Genomic context (GRCh38, chr13:45,713,174, plus strand): 5'-CTTTGTCAGCCAGCCCCAAGTGTGTCAGTCCCATCGTTAACGCTGGGCTTTCCCATTCTC[T>C]CCCGCAGAGGGGCACAGCCGAACCCTTCCCGAGGCTCCACAACTTGTACAGCACCCCTCG-3'